The following is an entry in ClinVar:

ClinVar aggregate classification (germline): Pathogenic. Review status: criteria provided, multiple submitters, no conflicts (2 of 4 stars). 3 submissions from 3 submitters: Pathogenic (3). Last evaluated 2025-12-12.

Conditions:
Hereditary cancer-predisposing syndrome. Also called: Tumor predisposition; Hereditary neoplastic syndrome; Neoplastic Syndromes, Hereditary; Hereditary Cancer Syndrome. Identifiers: Orphanet 140162, MedGen C0027672, MeSH D009386, MONDO:0015356.
Familial adenomatous polyposis 4 (FAP4). Also called: MSH3-related attenuated familial adenomatous polyposis. Identifiers: Orphanet 480536, MedGen C4310719, MONDO:0044300, OMIM 617100.

Submissions (3):

Labcorp Genetics (formerly Invitae), Labcorp
Classification: Pathogenic. Last evaluated: 2025-12-12. Review status: criteria provided, single submitter. Criteria: Invitae Variant Classification Sherloc (09022015). Collection method: clinical testing. Allele origin: germline.
Comment: This sequence change creates a premature translational stop signal (p.Leu587Glyfs*7) in the MSH3 gene. It is expected to result in an absent or disrupted protein product. Loss-of-function variants in MSH3 are known to be pathogenic (PMID: 27476653, 37402566). This variant is present in population databases (rs776738086, gnomAD 0.0009%). This variant has not been reported in the literature in individuals affected with MSH3-related conditions. ClinVar contains an entry for this variant (Variation ID: 846735). For these reasons, this variant has been classified as Pathogenic.

Ambry Genetics
Classification: Pathogenic for Hereditary cancer-predisposing syndrome. Last evaluated: 2024-07-11. Review status: criteria provided, single submitter. Criteria: Ambry Variant Classification Scheme 2023. Collection method: clinical testing. Allele origin: germline.
Comment: The c.1758_1762delATTAA pathogenic mutation, located in coding exon 12 of the MSH3 gene, results from a deletion of 5 nucleotides at nucleotide positions 1758 to 1762, causing a translational frameshift with a predicted alternate stop codon (p.L587Gfs*7). This alteration is expected to result in loss of function by premature protein truncation or nonsense-mediated mRNA decay. As such, this alteration is interpreted as a disease-causing mutation.

Myriad Genetics, Inc.
Classification: Pathogenic for Familial adenomatous polyposis 4. Last evaluated: 2023-08-30. Review status: criteria provided, single submitter. Criteria: Myriad Autosomal Dominant, Autosomal Recessive and X-Linked Classification Criteria (2023). Collection method: clinical testing. Allele origin: unknown.
Comment: This variant is considered pathogenic. This variant creates a frameshift predicted to result in premature protein truncation.

Literature cited by the submitters: PubMed 27476653 (cited by Labcorp Genetics (formerly Invitae), Labcorp); PubMed 37402566 (cited by Labcorp Genetics (formerly Invitae), Labcorp).

NM_002439.5(MSH3):c.1758_1762del (p.Leu587fs)

Gene: MSH3 (mutS homolog 3; plus strand). Cytogenetic location: 5q14.1.
Variant type: Deletion.
Coding change: c.1758_1762del on transcript NM_002439.5 (MANE Select); coding-DNA positions 1758 to 1762, 5 bases deleted (ATTAA; older notation c.1758_1762delATTAA).
Protein change: p.Leu587fs; shifts the reading frame from leucine 587.
Molecular consequence: frameshift variant.
Genome position (GRCh38, 1-based): chr5:80,744,610-80,744,614, ATTAA deleted; deleting any 5 consecutive bases within chr5:80,744,606-80,744,614 gives the same sequence; the c. name uses the placement nearest the transcript's 3' end. VCF-style (leftmost placement, unchanged base first): chr5-80744605-CTTAAA-C. GRCh37 (hg19) VCF-style: chr5-80040424-CTTAAA-C.
Other names: c.1758_1762delATTAA (NM_002439.3); short protein forms L587fs.
Identifiers: ClinVar variation 846735 (VCV000846735.9), dbSNP rs776738086, ClinGen allele CA3328021.
Genomic context (GRCh38, chr5:80,744,605, plus strand): 5'-GACCACACTAAAACTTCATTTGGGAGACGGAAGTTAAAGAAGTGGGTGACCCAGCCACTC[CTTAAA>C]TTAAGGTAAAAGGAATTCTTTTTGGGGTGTTTAATCTGAAATTATAAAATTTTGAAATTA-3'